The following is an entry in ClinVar:

ClinVar aggregate classification (germline): Uncertain significance. Review status: criteria provided, multiple submitters, no conflicts (2 of 4 stars). 5 submissions from 5 submitters: Uncertain significance (5). Last evaluated 2024-10-14.

Conditions:
Familial hemophagocytic lymphohistiocytosis 3 (FHL3). Also called: UNC13D-Related Familial Hemophagocytic Lymphohistiocytosis (UNC13D-fHLH). Identifiers: Orphanet 540, MedGen C1837174, MONDO:0012146, OMIM 608898.

Allele frequency attached by ClinVar (database versions not stated): gnomAD 0.00002 and 0.00003; gnomAD exomes 0.00003 and 0.00010; TOPMed 0.00004; ExAC 0.00014.

Submissions (5):

Women's Health and Genetics/Laboratory Corporation of America, LabCorp
Classification: Uncertain significance. Last evaluated: 2024-10-14. Review status: criteria provided, single submitter. Criteria: LabCorp Variant Classification Summary - May 2015. Collection method: clinical testing. Allele origin: germline.
Comment: Variant summary: UNC13D c.3229_3235delCGGGCCA (p.Arg1077SerfsX48) causes a frameshift which results in an extension of the protein. The variant allele was found at a frequency of 0.0001 in 219820 control chromosomes (gnomAD). This frequency is not significantly higher than estimated for a pathogenic variant in UNC13D causing Familial Hemophagocytic Lymphohistiocytosis (0.0001 vs 0.0027), allowing no conclusion about variant significance. c.3229_3235delCGGGCCA has been reported in the literature in individuals affected with Familial Hemophagocytic Lymphohistiocytosis without second UNC13D variants found (Chen_2018, Zhang_2020, Bi_2022), and in some cases variants in other genes were found. These reports do not provide unequivocal conclusions about association of the variant with Familial Hemophagocytic Lymphohistiocytosis. To our knowledge, no experimental evidence demonstrating an impact on protein function has been reported. The following publications have been ascertained in the context of this evaluation (PMID: 29665027, 32375849, 35902954). ClinVar contains an entry for this variant (Variation ID: 582209). Based on the evidence outlined above, the variant was classified as uncertain significance.

3billion
Classification: Uncertain significance for Familial hemophagocytic lymphohistiocytosis 3. Last evaluated: 2024-03-14. Review status: criteria provided, single submitter. Criteria: ACMG Guidelines, 2015. Collection method: clinical testing. Allele origin: germline. Affected: yes.
Comment: The variant is observed at an extremely low frequency in the gnomAD v2.1.1 dataset (total allele frequency: 0.010%). Predicted Consequence/Location: Frameshift: predicted to result in a loss or disruption of normal protein function through protein truncation. The predicted truncated protein may be shortened by less than 10%. The variant has been reported to be associated with UNC13D related disorder (PMID: 29665027). However, the evidence of pathogenicity is insufficient at this time. Therefore, this variant is classified as VUS according to the recommendation of ACMG/AMP guideline.

Labcorp Genetics (formerly Invitae), Labcorp
Classification: Uncertain significance for Familial hemophagocytic lymphohistiocytosis 3. Last evaluated: 2021-12-28. Review status: criteria provided, single submitter. Criteria: Invitae Variant Classification Sherloc (09022015). Collection method: clinical testing. Allele origin: germline.
Comment: This sequence change creates a premature translational stop signal (p.Arg1077Serfs*48) in the UNC13D gene. While this is not anticipated to result in nonsense mediated decay, it is expected to disrupt the last 14 amino acid(s) of the UNC13D protein. This variant is present in population databases (rs766652119, gnomAD 0.1%). This premature translational stop signal has been observed in individual(s) with hemophagocytic lymphohistiocytosis (PMID: 29665027). ClinVar contains an entry for this variant (Variation ID: 582209). Experimental studies and prediction algorithms are not available or were not evaluated, and the functional significance of this variant is currently unknown. In summary, the available evidence is currently insufficient to determine the role of this variant in disease. Therefore, it has been classified as a Variant of Uncertain Significance.

Fulgent Genetics
Classification: Uncertain significance for Familial hemophagocytic lymphohistiocytosis 3. Last evaluated: 2021-10-13. Review status: criteria provided, single submitter. Criteria: ACMG Guidelines, 2015. Collection method: clinical testing. Allele origin: unknown.

Juno Genomics, Hangzhou Juno Genomics, Inc
Classification: Uncertain significance for Familial hemophagocytic lymphohistiocytosis 3. Review status: criteria provided, single submitter. Criteria: ACMG Guidelines, 2015. Collection method: clinical testing. Allele origin: germline.
Comment: Absent from controls (or at extremely low frequency if recessive) in Genome Aggregation Database.;Null variant in a gene where loss of function (LOF) is a known mechanism of disease.

Literature cited by the submitters: PubMed 29665027 (cited by 3 submitters); PubMed 32375849 (cited by Women's Health and Genetics/Laboratory Corporation of America, LabCorp); PubMed 35902954 (cited by Women's Health and Genetics/Laboratory Corporation of America, LabCorp).

NM_199242.3(UNC13D):c.3229_3235del (p.Arg1077fs)

Gene: UNC13D (unc-13 homolog D; minus strand). Cytogenetic location: 17q25.1.
Variant type: Deletion.
Coding change: c.3229_3235del on transcript NM_199242.3 (MANE Select); coding-DNA positions 3229 to 3235, 7 bases deleted (CGGGCCA; older notation c.3229_3235delCGGGCCA).
Protein change: p.Arg1077fs; shifts the reading frame from arginine 1077.
Molecular consequence: frameshift variant.
Genome position (GRCh38, 1-based): chr17:75,828,003-75,828,009, TGGCCCG deleted on the plus strand (CGGGCCA on the coding strand, the reverse complement: UNC13D is on the minus strand). VCF-style (leftmost placement, unchanged base first): chr17-75828002-TTGGCCCG-T. GRCh37 (hg19) VCF-style: chr17-73824083-TTGGCCCG-T.
Other names: c.3229_3235delCGGGCCA (NM_199242.2, NM_199242.3); short protein forms R1077fs.
Identifiers: ClinVar variation 582209 (VCV000582209.18), dbSNP rs766652119, ClinGen allele CA8772215.